The following is an entry in ClinVar:

NM_052867.4(NALCN):c.2456+6G>A

Gene: NALCN (sodium leak channel, non-selective; minus strand). Cytogenetic location: 13q33.1.
Variant type: single nucleotide variant.
Coding change: c.2456+6G>A on transcript NM_052867.4 (MANE Select); 6 bases into the intron after coding-DNA position 2456, G replaced by A.
Molecular consequence: intron variant.
Genome position (GRCh38, 1-based): chr13:101,107,692, C>T on the plus strand (G>A on the coding strand, the complement: NALCN is on the minus strand). VCF-style: chr13-101107692-C-T. GRCh37 (hg19) VCF-style: chr13-101760043-C-T.
Other names: c.2369+6G>A (NM_001350751.2, NM_001350750.2); c.2456+6G>A (NM_001350749.2); c.2543+6G>A (NM_001350748.2).
Identifiers: ClinVar variation 3692391 (VCV003692391.2).

ClinVar aggregate classification (germline): Uncertain significance (1 of 4 stars; one submission).

gnomAD v4.1: 1 of 1,613,834 alleles (0.000062%); highest among the groups gnomAD compares: African/African-American, 0.0013%; no homozygotes.

Submission:

Labcorp Genetics (formerly Invitae), Labcorp
Classification: Uncertain significance. Last evaluated: 2024-10-07. Review status: criteria provided, single submitter. Criteria: Invitae Variant Classification Sherloc (09022015). Collection method: clinical testing. Allele origin: germline.
Comment: This sequence change falls in intron 21 of the NALCN gene. It does not directly change the encoded amino acid sequence of the NALCN protein. It affects a nucleotide within the consensus splice site. This variant is not present in population databases (gnomAD no frequency). This variant has not been reported in the literature in individuals affected with NALCN-related conditions. Variants that disrupt the consensus splice site are a relatively common cause of aberrant splicing (PMID: 17576681, 9536098). Algorithms developed to predict the effect of sequence changes on RNA splicing suggest that this variant is not likely to affect RNA splicing. In summary, the available evidence is currently insufficient to determine the role of this variant in disease. Therefore, it has been classified as a Variant of Uncertain Significance.

Literature cited by the submitters: PubMed 17576681; PubMed 9536098.